The following is an entry in ClinVar:

ClinVar aggregate classification (germline): Uncertain significance (1 of 4 stars; one submission).

Conditions:
Immunodeficiency 35 (IMD35). Also called: HIES WITH ATYPICAL MYCOBACTERIOSIS, AUTOSOMAL RECESSIVE; HYPER-IgE SYNDROME WITH ATYPICAL MYCOBACTERIOSIS, AUTOSOMAL RECESSIVE; TYK2 DEFICIENCY; Susceptibility to infection due to TYK2 deficiency. Identifiers: Orphanet 331226, MedGen C1969086, MONDO:0012682, OMIM 611521.

Submission:

Labcorp Genetics (formerly Invitae), Labcorp
Classification: Uncertain significance for Immunodeficiency 35. Last evaluated: 2022-07-05. Review status: criteria provided, single submitter. Criteria: Invitae Variant Classification Sherloc (09022015). Collection method: clinical testing. Allele origin: germline.
Comment: This sequence change replaces serine, which is neutral and polar, with cysteine, which is neutral and slightly polar, at codon 985 of the TYK2 protein (p.Ser985Cys). In summary, the available evidence is currently insufficient to determine the role of this variant in disease. Therefore, it has been classified as a Variant of Uncertain Significance. Algorithms developed to predict the effect of missense changes on protein structure and function are either unavailable or do not agree on the potential impact of this missense change (SIFT: "Not Available"; PolyPhen-2: "Probably Damaging"; Align-GVGD: "Not Available"). ClinVar contains an entry for this variant (Variation ID: 1497112). This variant has not been reported in the literature in individuals affected with TYK2-related conditions. This variant is not present in population databases (gnomAD no frequency).

NM_003331.5(TYK2):c.2953A>T (p.Ser985Cys)

Gene: TYK2 (tyrosine kinase 2; minus strand). Cytogenetic location: 19p13.2.
Variant type: single nucleotide variant.
Coding change: c.2953A>T on transcript NM_003331.5 (MANE Select); coding-DNA position 2953, A replaced by T.
Protein change: p.Ser985Cys; replaces serine 985 with cysteine.
Molecular consequence: missense variant.
Genome position (GRCh38, 1-based): chr19:10,353,602, T>A on the plus strand (A>T on the coding strand, the complement: TYK2 is on the minus strand). VCF-style: chr19-10353602-T-A. GRCh37 (hg19) VCF-style: chr19-10464278-T-A.
Other names: c.2953A>T, p.Ser985Cys (NM_001385197.1, NM_001385198.1); c.2767A>T, p.Ser923Cys (NM_001385199.1); c.2950A>T, p.Ser984Cys (NM_001385200.1); c.2755A>T, p.Ser919Cys (NM_001385201.1); c.2869A>T, p.Ser957Cys (NM_001385202.1); c.3034A>T, p.Ser1012Cys (NM_001385203.1); c.3163A>T, p.Ser1055Cys (NM_001385204.1); c.2863A>T, p.Ser955Cys (NM_001385205.1); and 2 more; short protein forms S1055C, S957C, S923C, S943C, S955C, S979C, S985C, S1012C.
Identifiers: ClinVar variation 1497112 (VCV001497112.8), dbSNP rs2145149687, ClinGen allele CA403985448.